The following is an entry in ClinVar:

NM_000329.3(RPE65):c.1297T>A (p.Tyr433Asn)

Gene: RPE65 (retinoid isomerohydrolase RPE65; minus strand). Cytogenetic location: 1p31.3.
Variant type: single nucleotide variant.
Coding change: c.1297T>A on transcript NM_000329.3 (MANE Select); coding-DNA position 1297, T replaced by A.
Protein change: p.Tyr433Asn; replaces tyrosine 433 with asparagine.
Molecular consequence: missense variant.
Genome position (GRCh38, 1-based): chr1:68,431,323, A>T on the plus strand (T>A on the coding strand, the complement: RPE65 is on the minus strand). VCF-style: chr1-68431323-A-T. GRCh37 (hg19) VCF-style: chr1-68897006-A-T.
Other names: c.1189T>A, p.Tyr397Asn (NM_001406853.1); c.1021T>A, p.Tyr341Asn (NM_001406856.1, NM_001406857.1); short protein forms Y341N, Y397N, Y433N.
Identifiers: ClinVar variation 4293068 (VCV004293068.1).

ClinVar aggregate classification (germline): Uncertain significance (1 of 4 stars; one submission).

Conditions:
Leber congenital amaurosis 2 (LCA2). Also called: AMAUROSIS CONGENITA OF LEBER II; Autosomal Recessive RPE65-Related Retinal Degeneration. Identifiers: Orphanet 65, MedGen C1859844, MONDO:0008765, OMIM 204100. Disease mechanism: loss of function.

gnomAD v4.1: 1 of 1,614,012 alleles (0.000062%); highest among the groups gnomAD compares: Admixed American, 0.0017%; no homozygotes.

Submission:

3billion
Classification: Uncertain significance for Leber congenital amaurosis 2. Last evaluated: 2024-07-04. Review status: criteria provided, single submitter. Criteria: ACMG Guidelines, 2015. Collection method: clinical testing. Allele origin: germline. Affected: yes.
Comment: The variant is observed at an extremely low frequency in the gnomAD v4.0.0 dataset (total allele frequency: <0.001%). Predicted Consequence/Location: Missense variant In silico tool predictions suggest damaging effect of the variant on gene or gene product [REVEL: 0.74 (>=0.6, sensitivity 0.68 and specificity 0.92); 3Cnet: 0.99 (>=0.6, sensitivity 0.72 and precision 0.9)]. Therefore, this variant is classified as VUS according to the recommendation of ACMG/AMP guideline.